The following is an entry in ClinVar:

ClinVar aggregate classification (germline): Uncertain significance. Review status: criteria provided, multiple submitters, no conflicts (2 of 4 stars). 2 submissions from 2 submitters: Uncertain significance (2). Last evaluated 2025-03-03.

Conditions:
Hereditary cancer-predisposing syndrome. Also called: Hereditary Cancer Syndrome; Hereditary neoplastic syndrome; Tumor predisposition; Neoplastic Syndromes, Hereditary. Identifiers: Orphanet 140162, MedGen C0027672, MeSH D009386, MONDO:0015356.
Bloom syndrome (BLM). Also called: Bloom-Torre-Machacek syndrome. Identifiers: Orphanet 125, MedGen C0005859, MONDO:0008876, OMIM 210900.

Allele frequency attached by ClinVar (database versions not stated): ExAC 0.00001.
gnomAD v4.1: 1 of 1,611,350 alleles (0.000062%); highest among the groups gnomAD compares: Non-Finnish European, 0.000085%; no homozygotes.

Submissions (2):

Ambry Genetics
Classification: Uncertain significance for Hereditary cancer-predisposing syndrome. Last evaluated: 2025-03-03. Review status: criteria provided, single submitter. Criteria: Ambry Variant Classification Scheme 2023. Collection method: clinical testing. Allele origin: germline.
Comment: The p.P173H variant (also known as c.518C>A), located in coding exon 2 of the BLM gene, results from a C to A substitution at nucleotide position 518. The proline at codon 173 is replaced by histidine, an amino acid with similar properties. This amino acid position is conserved. In addition, this alteration is predicted to be tolerated by in silico analysis. Based on the available evidence, the clinical significance of this variant remains unclear.

Labcorp Genetics (formerly Invitae), Labcorp
Classification: Uncertain significance for Bloom syndrome. Last evaluated: 2022-09-06. Review status: criteria provided, single submitter. Criteria: Invitae Variant Classification Sherloc (09022015). Collection method: clinical testing. Allele origin: germline.
Comment: This sequence change replaces proline, which is neutral and non-polar, with histidine, which is basic and polar, at codon 173 of the BLM protein (p.Pro173His). In summary, the available evidence is currently insufficient to determine the role of this variant in disease. Therefore, it has been classified as a Variant of Uncertain Significance. Algorithms developed to predict the effect of missense changes on protein structure and function (SIFT, PolyPhen-2, Align-GVGD) all suggest that this variant is likely to be tolerated. ClinVar contains an entry for this variant (Variation ID: 843291). This variant has not been reported in the literature in individuals affected with BLM-related conditions. This variant is present in population databases (rs762713320, gnomAD 0.0009%).

NM_000057.4(BLM):c.518C>A (p.Pro173His)

Gene: BLM (BLM RecQ like helicase; plus strand). Cytogenetic location: 15q26.1.
Variant type: single nucleotide variant.
Coding change: c.518C>A on transcript NM_000057.4 (MANE Select); coding-DNA position 518, C replaced by A.
Protein change: p.Pro173His; replaces proline 173 with histidine.
Molecular consequence: missense variant. On other transcripts: 5 prime UTR variant (1).
Genome position (GRCh38, 1-based): chr15:90,749,786, C>A. VCF-style: chr15-90749786-C-A. GRCh37 (hg19) VCF-style: chr15-91293016-C-A.
Other names: c.518C>A (NM_000057.2); c.518C>A, p.Pro173His (NM_001287246.2, NM_001287247.2); c.-774C>A (NM_001287248.2); short protein forms P173H.
Identifiers: ClinVar variation 843291 (VCV000843291.11), dbSNP rs762713320, ClinGen allele CA7738305.
Genomic context (GRCh38, chr15:90,749,786, plus strand): 5'-ATTGGGATGATATGGATGACTTTGATACTTCTGAGACTTCAAAATCATTTGTTACACCAC[C>A]CCAAAGTCACTTTGTAAGAGTAAGCACTGCTCAGAAATCAAAAAAGGGTAAGAGAAACTT-3'
Protein context (NP_000048.1, residues 163-183): SETSKSFVTP[Pro173His]QSHFVRVSTA